The following is an entry in ClinVar:

ClinVar aggregate classification (germline): Uncertain significance (1 of 4 stars; one submission).

Conditions:
ARID1A-related disorder. Also called: ARID1A-related condition.

Submission:

PreventionGenetics, part of Exact Sciences
Classification: Uncertain significance for ARID1A-related condition. Last evaluated: 2025-07-14. Review status: criteria provided, single submitter. Criteria: ACMG Guidelines, 2015. Collection method: clinical testing. Allele origin: germline.
Comment: The ARID1A c.3640A>T variant is predicted to result in the amino acid substitution p.Ser1214Cys. To our knowledge, this variant has not been reported in the literature or in a large population database (gnomAD), indicating this variant is rare. At this time, the clinical significance of this variant is uncertain due to the absence of conclusive functional and genetic evidence.

NM_006015.6(ARID1A):c.3640A>T (p.Ser1214Cys)

Genes: ARID1A (AT-rich interaction domain 1A; plus strand), LOC126805670 (CDK7 strongly-dependent group 2 enhancer GRCh37_chr1:27098665-27099864; plus strand). Cytogenetic location: 1p36.11.
Variant type: single nucleotide variant.
Coding change: c.3640A>T on transcript NM_006015.6 (MANE Select); coding-DNA position 3640, A replaced by T.
Protein change: p.Ser1214Cys; replaces serine 1214 with cysteine.
Molecular consequence: missense variant.
Genome position (GRCh38, 1-based): chr1:26,772,912, A>T. VCF-style: chr1-26772912-A-T. GRCh37 (hg19) VCF-style: chr1-27099403-A-T.
Other names: c.3640A>T, p.Ser1214Cys (NM_139135.4); short protein forms S1214C.
Identifiers: ClinVar variation 5000846 (VCV005000846.1).